The following is an entry in ClinVar:

ClinVar aggregate classification (germline): Uncertain significance. Review status: criteria provided, multiple submitters, no conflicts (2 of 4 stars). 2 submissions from 2 submitters: Uncertain significance (2). Last evaluated 2025-05-11.

Conditions:
Inborn genetic diseases. Identifiers: MedGen C0950123, MeSH D030342.
Baller-Gerold syndrome (BGS). Also called: CRANIOSYNOSTOSIS WITH RADIAL DEFECTS. Identifiers: Orphanet 1225, MedGen C0265308, MONDO:0009039, OMIM 218600.

Allele frequency attached by ClinVar (database versions not stated): gnomAD exomes below 0.00001; TOPMed 0.00001.

Submissions (2):

Ambry Genetics
Classification: Uncertain significance for Inborn genetic diseases. Last evaluated: 2025-05-11. Review status: criteria provided, single submitter. Criteria: Ambry Variant Classification Scheme 2023. Collection method: clinical testing. Allele origin: germline.
Comment: The p.M537T variant (also known as c.1610T>C), located in coding exon 9 of the RECQL4 gene, results from a T to C substitution at nucleotide position 1610. The methionine at codon 537 is replaced by threonine, an amino acid with similar properties. This amino acid position is conserved. In addition, this alteration is predicted to be deleterious by in silico analysis. Based on the available evidence, the clinical significance of this variant remains unclear.

Labcorp Genetics (formerly Invitae), Labcorp
Classification: Uncertain significance for Baller-Gerold syndrome. Last evaluated: 2024-10-20. Review status: criteria provided, single submitter. Criteria: Invitae Variant Classification Sherloc (09022015). Collection method: clinical testing. Allele origin: germline.
Comment: This sequence change replaces methionine, which is neutral and non-polar, with threonine, which is neutral and polar, at codon 537 of the RECQL4 protein (p.Met537Thr). This variant is present in population databases (no rsID available, gnomAD 0.0009%). This variant has not been reported in the literature in individuals affected with RECQL4-related conditions. ClinVar contains an entry for this variant (Variation ID: 2200066). Invitae Evidence Modeling of protein sequence and biophysical properties (such as structural, functional, and spatial information, amino acid conservation, physicochemical variation, residue mobility, and thermodynamic stability) indicates that this missense variant is expected to disrupt RECQL4 protein function with a positive predictive value of 80%. In summary, the available evidence is currently insufficient to determine the role of this variant in disease. Therefore, it has been classified as a Variant of Uncertain Significance.

NM_004260.4(RECQL4):c.1610T>C (p.Met537Thr)

Gene: RECQL4 (RecQ like helicase 4; minus strand). Cytogenetic location: 8q24.3.
Variant type: single nucleotide variant.
Coding change: c.1610T>C on transcript NM_004260.4 (MANE Select); coding-DNA position 1610, T replaced by C.
Protein change: p.Met537Thr; replaces methionine 537 with threonine.
Molecular consequence: missense variant.
Genome position (GRCh38, 1-based): chr8:144,514,946, A>G on the plus strand (T>C on the coding strand, the complement: RECQL4 is on the minus strand). VCF-style: chr8-144514946-A-G. GRCh37 (hg19) VCF-style: chr8-145740330-A-G.
Other names: c.1610T>C (NM_004260.3); c.1610T>C, p.Met537Thr (NM_001413033.1, NM_001413036.1, NM_001413018.1 and 1 more transcripts); c.539T>C, p.Met180Thr (NM_001413034.1, NM_001413035.1, NM_001413037.1 and 7 more transcripts); c.1580T>C, p.Met527Thr (NM_001413039.1); c.473T>C, p.Met158Thr (NM_001413041.1, NM_001413027.1, NM_001413030.1 and 2 more transcripts); c.509T>C, p.Met170Thr (NM_001413042.1); c.1514T>C, p.Met505Thr (NM_001413017.1, NM_001413020.1); c.1481T>C, p.Met494Thr (NM_001413025.1); and 2 more; short protein forms M505T, M420T, M494T, M158T, M170T, M180T, M48T, M527T.
Identifiers: ClinVar variation 2200066 (VCV002200066.5), dbSNP rs1398479383, ClinGen allele CA372683450.